The following is an entry in ClinVar:

NM_006939.4(SOS2):c.932A>C (p.Lys311Thr)

Gene: SOS2 (SOS Ras/Rho guanine nucleotide exchange factor 2; minus strand). Cytogenetic location: 14q21.3.
Variant type: single nucleotide variant.
Coding change: c.932A>C on transcript NM_006939.4 (MANE Select); coding-DNA position 932, A replaced by C.
Protein change: p.Lys311Thr; replaces lysine 311 with threonine.
Molecular consequence: missense variant.
Genome position (GRCh38, 1-based): chr14:50,180,609, T>G on the plus strand (A>C on the coding strand, the complement: SOS2 is on the minus strand). VCF-style: chr14-50180609-T-G. GRCh37 (hg19) VCF-style: chr14-50647327-T-G.
Other names: c.932A>C, p.Lys311Thr (NM_001411020.1); short protein forms K311T.
Identifiers: ClinVar variation 1947234 (VCV001947234.5), dbSNP rs2139702224, ClinGen allele CA389646978.

ClinVar aggregate classification (germline): Uncertain significance (1 of 4 stars; one submission).

Conditions:
Noonan syndrome 9 (NS9). Identifiers: Orphanet 648, MedGen C4225282, MONDO:0014691, OMIM 616559.

Allele frequency attached by ClinVar (database versions not stated): gnomAD 0.00001.
gnomAD v4.1: 1 of 1,598,612 alleles (0.000063%); highest among the groups gnomAD compares: East Asian, 0.0023%; no homozygotes.

Submission:

Labcorp Genetics (formerly Invitae), Labcorp
Classification: Uncertain significance for Noonan syndrome 9. Last evaluated: 2022-08-23. Review status: criteria provided, single submitter. Criteria: Invitae Variant Classification Sherloc (09022015). Collection method: clinical testing. Allele origin: germline.
Comment: This variant is not present in population databases (gnomAD no frequency). This sequence change replaces lysine, which is basic and polar, with threonine, which is neutral and polar, at codon 311 of the SOS2 protein (p.Lys311Thr). This variant has not been reported in the literature in individuals affected with SOS2-related conditions. Advanced modeling of protein sequence and biophysical properties (such as structural, functional, and spatial information, amino acid conservation, physicochemical variation, residue mobility, and thermodynamic stability) performed at Invitae indicates that this missense variant is not expected to disrupt SOS2 protein function. In summary, the available evidence is currently insufficient to determine the role of this variant in disease. Therefore, it has been classified as a Variant of Uncertain Significance.